The following is an entry in ClinVar:

NM_001370298.3(FGD4):c.1404+5T>C

Gene: FGD4 (FYVE, RhoGEF and PH domain containing 4; plus strand). Cytogenetic location: 12p11.21.
Variant type: single nucleotide variant.
Coding change: c.1404+5T>C on transcript NM_001370298.3 (MANE Select); 5 bases into the intron after coding-DNA position 1404, T replaced by C.
Molecular consequence: intron variant.
Genome position (GRCh38, 1-based): chr12:32,602,322, T>C. VCF-style: chr12-32602322-T-C. GRCh37 (hg19) VCF-style: chr12-32755256-T-C.
Other names: c.1404+5T>C (NM_001384126.1); c.1248+5T>C (NM_001304481.2); c.714+5T>C (NM_001330374.2, NM_001330373.2, NM_001384130.1); c.993+5T>C (NM_139241.3, NM_001384127.1, NM_001385118.1 and 1 more transcripts); c.-59+5T>C (NM_001304484.2); c.441+5T>C (NM_001370297.1); c.249+5T>C (NM_001304483.2).
Identifiers: ClinVar variation 969918 (VCV000969918.6), dbSNP rs373712001, ClinGen allele CA6506764.

ClinVar aggregate classification (germline): Conflicting classifications of pathogenicity. Review status: criteria provided, conflicting classifications (1 of 4 stars). 4 submissions from 4 submitters: Uncertain significance (1); Likely benign (3). Last evaluated 2026-03-04.

Conditions:
FGD4-related disorder. Also called: FGD4-related condition.
Charcot-Marie-Tooth disease type 4H (CMT4H). Also called: CHARCOT-MARIE-TOOTH DISEASE, DEMYELINATING, TYPE 4H; CHARCOT-MARIE-TOOTH DISEASE, AUTOSOMAL RECESSIVE, TYPE 4H; CHARCOT-MARIE-TOOTH DISEASE, DEMYELINATING, AUTOSOMAL RECESSIVE, TYPE 4H; CHARCOT-MARIE-TOOTH NEUROPATHY, TYPE 4H. Identifiers: Orphanet 99954, MedGen C1836336, MONDO:0012250, OMIM 609311.
Charcot-Marie-Tooth disease type 4. Also called: Charcot-Marie-Tooth disease, type IV; Charcot-Marie-Tooth, Type 4. Identifiers: Orphanet 64749, MedGen C4082197, MONDO:0018995.

Allele frequency attached by ClinVar (database versions not stated): gnomAD 0.00001; gnomAD exomes 0.00001; TOPMed 0.00001; ExAC 0.00002.
gnomAD v4.1: 44 of 1,614,022 alleles (0.0027%); highest among the groups gnomAD compares: East Asian, 0.0089%; 2 homozygotes.

Submissions (4):

PreventionGenetics, part of Exact Sciences
Classification: Likely benign for FGD4-related condition. Last evaluated: 2026-03-04. Review status: criteria provided, single submitter. Criteria: ACMG Guidelines, 2015. Collection method: clinical testing. Allele origin: germline.
Comment: This variant is classified as likely benign based on ACMG/AMP sequence variant interpretation guidelines (Richards et al. 2015 PMID: 25741868, with internal and published modifications).

Blueprint Genetics
Classification: Likely benign. Last evaluated: 2024-11-05. Review status: criteria provided, single submitter. Criteria: ACMG Guidelines, 2015. Collection method: clinical testing. Allele origin: germline.

ARUP Laboratories, Molecular Genetics and Genomics, ARUP Laboratories
Classification: Likely benign for Charcot-Marie-Tooth disease type 4H. Last evaluated: 2023-09-14. Review status: criteria provided, single submitter. Criteria: ARUP Molecular Germline Variant Investigation Process 2024. Collection method: clinical testing. Allele origin: germline.

Labcorp Genetics (formerly Invitae), Labcorp
Classification: Uncertain significance for Charcot-Marie-Tooth disease type 4. Last evaluated: 2021-12-24. Review status: criteria provided, single submitter. Criteria: Invitae Variant Classification Sherloc (09022015). Collection method: clinical testing. Allele origin: germline.
Comment: This sequence change falls in intron 7 of the FGD4 gene. It does not directly change the encoded amino acid sequence of the FGD4 protein. It affects a nucleotide within the consensus splice site. This variant is present in population databases (rs373712001, gnomAD 0.006%). This variant has not been reported in the literature in individuals affected with FGD4-related conditions. ClinVar contains an entry for this variant (Variation ID: 969918). Variants that disrupt the consensus splice site are a relatively common cause of aberrant splicing (PMID: 17576681, 9536098). Algorithms developed to predict the effect of sequence changes on RNA splicing suggest that this variant is not likely to affect RNA splicing. In summary, the available evidence is currently insufficient to determine the role of this variant in disease. Therefore, it has been classified as a Variant of Uncertain Significance.

Literature cited by the submitters: PubMed 17576681 (cited by Labcorp Genetics (formerly Invitae), Labcorp); PubMed 9536098 (cited by Labcorp Genetics (formerly Invitae), Labcorp).